The following is an entry in ClinVar:

ClinVar aggregate classification (germline): Pathogenic. Review status: criteria provided, multiple submitters, no conflicts (2 of 4 stars). 2 submissions from 2 submitters: Pathogenic (2). Last evaluated 2024-02-08.

Conditions:
Hereditary cancer-predisposing syndrome. Also called: Hereditary Cancer Syndrome; Tumor predisposition; Neoplastic Syndromes, Hereditary; Hereditary neoplastic syndrome. Identifiers: Orphanet 140162, MedGen C0027672, MeSH D009386, MONDO:0015356.
Microcephaly, normal intelligence and immunodeficiency (NBS). Also called: IMMUNODEFICIENCY, MICROCEPHALY, AND CHROMOSOMAL INSTABILITY; Immunodeficiency, microcephaly with normal intelligence; BERLIN BREAKAGE SYNDROME; SEEMANOVA SYNDROME II; Ataxia telangiectasia variant V1; Nijmegen breakage syndrome. Identifiers: Orphanet 647, MedGen C0398791, MONDO:0009623, OMIM 251260.

Allele frequency attached by ClinVar (database versions not stated): gnomAD exomes below 0.00001.

Submissions (2):

Ambry Genetics
Classification: Pathogenic for Hereditary cancer-predisposing syndrome. Last evaluated: 2024-02-08. Review status: criteria provided, single submitter. Criteria: Ambry Variant Classification Scheme 2023. Collection method: clinical testing. Allele origin: germline.
Comment: The c.353delC pathogenic mutation, located in coding exon 4 of the NBN gene, results from a deletion of one nucleotide at nucleotide position 353, causing a translational frameshift with a predicted alternate stop codon (p.S118Ffs*3). This variant is considered to be rare based on population cohorts in the Genome Aggregation Database (gnomAD). This alteration is expected to result in loss of function by premature protein truncation or nonsense-mediated mRNA decay. As such, this alteration is interpreted as a disease-causing mutation.

Labcorp Genetics (formerly Invitae), Labcorp
Classification: Pathogenic for Microcephaly, normal intelligence and immunodeficiency. Last evaluated: 2022-03-12. Review status: criteria provided, single submitter. Criteria: Invitae Variant Classification Sherloc (09022015). Collection method: clinical testing. Allele origin: germline.
Comment: For these reasons, this variant has been classified as Pathogenic. This variant has not been reported in the literature in individuals affected with NBN-related conditions. This variant is not present in population databases (gnomAD no frequency). This sequence change creates a premature translational stop signal (p.Ser118Phefs*3) in the NBN gene. It is expected to result in an absent or disrupted protein product. Loss-of-function variants in NBN are known to be pathogenic (PMID: 9590180, 16415040).

Literature cited by the submitters: PubMed 9590180 (cited by Labcorp Genetics (formerly Invitae), Labcorp); PubMed 16415040 (cited by Labcorp Genetics (formerly Invitae), Labcorp).

NM_002485.5(NBN):c.353del (p.Ser118fs)

Gene: NBN (nibrin; minus strand). Cytogenetic location: 8q21.3.
Variant type: Deletion.
Coding change: c.353del on transcript NM_002485.5 (MANE Select); coding-DNA position 353, one base deleted (C; older notation c.353delC).
Protein change: p.Ser118fs; shifts the reading frame from serine 118.
Molecular consequence: frameshift variant.
Genome position (GRCh38, 1-based): chr8:89,980,861, G deleted on the plus strand (C on the coding strand, the reverse complement: NBN is on the minus strand). VCF-style (leftmost placement, unchanged base first): chr8-89980860-AG-A. GRCh37 (hg19) VCF-style: chr8-90993088-AG-A.
Other names: c.107del, p.Ser36fs (NM_001024688.3); short protein forms S36fs, S118fs.
Identifiers: ClinVar variation 2109918 (VCV002109918.5), dbSNP rs2488356977, ClinGen allele CA2580079191.